The following is an entry in ClinVar:

ClinVar aggregate classification (germline): Likely benign. Review status: criteria provided, multiple submitters, no conflicts (2 of 4 stars). 3 submissions from 3 submitters: Likely benign (2). 1 of the submissions does not count toward it. Last evaluated 2025-11-04.

Conditions:
ZNF423-related disorder. Also called: ZNF423-related condition.
Nephronophthisis 14 (NPHP14). Identifiers: Orphanet 2318, MedGen C3539071, MONDO:0013916, OMIM 614844.

Allele frequency attached by ClinVar (database versions not stated): gnomAD exomes 0.00005; ExAC 0.00007; TOPMed 0.00013; gnomAD 0.00014; 1000 Genomes Project 30x 0.00016; 1000 Genomes Project 0.00020; ESP Exome Variant Server 0.00023.
gnomAD v4.1: 136 of 1,613,852 alleles (0.0084%); highest among the groups gnomAD compares: African/African-American, 0.031%; no homozygotes.

Submissions (3):

Labcorp Genetics (formerly Invitae), Labcorp
Classification: Likely benign for Nephronophthisis 14. Last evaluated: 2025-11-04. Review status: criteria provided, single submitter. Criteria: Invitae Variant Classification Sherloc (09022015). Collection method: clinical testing. Allele origin: germline.

Blueprint Genetics
Classification: Likely benign. Last evaluated: 2022-11-22. Review status: criteria provided, single submitter. Criteria: ACMG Guidelines, 2015. Collection method: clinical testing. Allele origin: germline.

PreventionGenetics, part of Exact Sciences
Classification: Likely benign for ZNF423-related condition. Last evaluated: 2019-07-30. Review status: no assertion criteria provided. Collection method: clinical testing. Allele origin: germline. Not counted in ClinVar's aggregate classification.
Comment: This variant is classified as likely benign based on ACMG/AMP sequence variant interpretation guidelines (Richards et al. 2015 PMID: 25741868, with internal and published modifications).

NM_001379286.1(ZNF423):c.615C>T (p.His205=)

Gene: ZNF423 (zinc finger protein 423; minus strand). Cytogenetic location: 16q12.1.
Variant type: single nucleotide variant.
Coding change: c.615C>T on transcript NM_001379286.1 (MANE Select); coding-DNA position 615, C replaced by T.
Protein change: p.His205=; no amino-acid change (histidine 205 retained).
Molecular consequence: synonymous variant.
Genome position (GRCh38, 1-based): chr16:49,638,561, G>A on the plus strand (C>T on the coding strand, the complement: ZNF423 is on the minus strand). VCF-style: chr16-49638561-G-A. GRCh37 (hg19) VCF-style: chr16-49672472-G-A.
Other names: c.411C>T, p.His137= (NM_001271620.2); c.240C>T, p.His80= (NM_001330533.2); c.591C>T, p.His197= (NM_015069.5); c.591C>T (NM_015069.4).
Identifiers: ClinVar variation 772465 (VCV000772465.13), dbSNP rs369646082, ClinGen allele CA8046851.